The following is an entry in ClinVar:

ClinVar aggregate classification (germline): Uncertain significance (1 of 4 stars; one submission).

Allele frequency attached by ClinVar (database versions not stated): gnomAD exomes below 0.00001.
gnomAD v4.1: 1 of 1,611,836 alleles (0.000062%); highest among the groups gnomAD compares: Non-Finnish European, 0.000085%; no homozygotes.

Submission:

Labcorp Genetics (formerly Invitae), Labcorp
Classification: Uncertain significance. Last evaluated: 2021-04-14. Review status: criteria provided, single submitter. Criteria: Invitae Variant Classification Sherloc (09022015). Collection method: clinical testing. Allele origin: germline.
Comment: In summary, the available evidence is currently insufficient to determine the role of this variant in disease. Therefore, it has been classified as a Variant of Uncertain Significance. Algorithms developed to predict the effect of missense changes on protein structure and function (SIFT, PolyPhen-2, Align-GVGD) all suggest that this variant is likely to be tolerated, but these predictions have not been confirmed by published functional studies and their clinical significance is uncertain. This variant has not been reported in the literature in individuals with ATR-related conditions. This variant is not present in population databases (ExAC no frequency). This sequence change replaces valine with isoleucine at codon 1969 of the ATR protein (p.Val1969Ile). The valine residue is moderately conserved and there is a small physicochemical difference between valine and isoleucine.

NM_001184.4(ATR):c.5905G>A (p.Val1969Ile)

Gene: ATR (ATR checkpoint kinase; minus strand). Cytogenetic location: 3q23.
Variant type: single nucleotide variant.
Coding change: c.5905G>A on transcript NM_001184.4 (MANE Select); coding-DNA position 5905, G replaced by A.
Protein change: p.Val1969Ile; replaces valine 1969 with isoleucine.
Molecular consequence: missense variant.
Genome position (GRCh38, 1-based): chr3:142,493,305, C>T on the plus strand (G>A on the coding strand, the complement: ATR is on the minus strand). VCF-style: chr3-142493305-C-T. GRCh37 (hg19) VCF-style: chr3-142212147-C-T.
Other names: c.5713G>A, p.Val1905Ile (NM_001354579.2); short protein forms V1969I, V1905I.
Identifiers: ClinVar variation 1436996 (VCV001436996.8), dbSNP rs1175958154, ClinGen allele CA354811919.